The following is an entry in ClinVar:

NM_053025.4(MYLK):c.3433A>G (p.Ile1145Val)

Gene: MYLK (myosin light chain kinase; minus strand). Cytogenetic location: 3q21.1.
Variant type: single nucleotide variant.
Coding change: c.3433A>G on transcript NM_053025.4 (MANE Select); coding-DNA position 3433, A replaced by G.
Protein change: p.Ile1145Val; replaces isoleucine 1145 with valine.
Molecular consequence: missense variant.
Genome position (GRCh38, 1-based): chr3:123,700,035, T>C on the plus strand (A>G on the coding strand, the complement: MYLK is on the minus strand). VCF-style: chr3-123700035-T-C. GRCh37 (hg19) VCF-style: chr3-123418882-T-C.
Other names: c.2905A>G, p.Ile969Val (NM_001321309.2); c.3226A>G, p.Ile1076Val (NM_053026.4, NM_053028.4); c.3433A>G, p.Ile1145Val (NM_053027.4); short protein forms I1145V, I1076V, I969V.
Identifiers: ClinVar variation 569522 (VCV000569522.8), dbSNP rs1560092388, ClinGen allele CA354228596.

ClinVar aggregate classification (germline): Uncertain significance (1 of 4 stars; one submission).

Conditions:
Aortic aneurysm, familial thoracic 7 (AAT7). Also called: AORTIC DISSECTION, FAMILIAL, WITH OR WITHOUT AORTIC ANEURYSM. Identifiers: MedGen C3151077, MONDO:0013418, OMIM 613780.

Submission:

Labcorp Genetics (formerly Invitae), Labcorp
Classification: Uncertain significance for Aortic aneurysm, familial thoracic 7. Last evaluated: 2018-04-02. Review status: criteria provided, single submitter. Criteria: Invitae Variant Classification Sherloc (09022015). Collection method: clinical testing. Allele origin: germline.
Comment: This sequence change replaces isoleucine with valine at codon 1145 of the MYLK protein (p.Ile1145Val). The isoleucine residue is moderately conserved and there is a small physicochemical difference between isoleucine and valine. This variant is not present in population databases (ExAC no frequency). This variant has not been reported in the literature in individuals with MYLK-related disease. Algorithms developed to predict the effect of missense changes on protein structure and function output the following: SIFT: "Tolerated"; PolyPhen-2: "Benign"; Align-GVGD: "Class C0". The valine amino acid residue is found in multiple mammalian species, suggesting that this missense change does not adversely affect protein function. These predictions have not been confirmed by published functional studies and their clinical significance is uncertain. In summary, the available evidence is currently insufficient to determine the role of this variant in disease. Therefore, it has been classified as a Variant of Uncertain Significance.